The following is an entry in ClinVar:

ClinVar aggregate classification (germline): Benign/Likely benign. Review status: criteria provided, multiple submitters, no conflicts (2 of 4 stars). 3 submissions from 3 submitters: Benign (1); Likely benign (2). Last evaluated 2024-05-01.

Conditions:
Hereditary cancer-predisposing syndrome. Also called: Hereditary neoplastic syndrome; Tumor predisposition; Neoplastic Syndromes, Hereditary; Hereditary Cancer Syndrome. Identifiers: Orphanet 140162, MedGen C0027672, MeSH D009386, MONDO:0015356.
Familial cancer of breast. Also called: Hereditary breast cancer; BREAST CANCER, FAMILIAL; hereditary breast carcinoma. Identifiers: Orphanet 227535, MedGen C0346153, MONDO:0016419, OMIM 114480. Disease mechanism: loss of function.
Ataxia-telangiectasia syndrome (AT). Also called: LOUIS-BAR SYNDROME; Ataxia telangiectasia (A-T); Cerebello-oculocutaneous telangiectasia; Immunodeficiency with ataxia telangiectasia; Ataxia-telangiectasia; Ataxia-telangiectasia, complementation group D. Identifiers: Orphanet 100, MedGen C0004135, MONDO:0008840, OMIM 208900.

Allele frequency attached by ClinVar (database versions not stated): gnomAD exomes below 0.00001.
gnomAD v4.1: 4 of 1,613,650 alleles (0.00025%); highest among the groups gnomAD compares: Non-Finnish European, 0.00034%; no homozygotes.

Submissions (3):

Myriad Genetics, Inc.
Classification: Benign for Familial cancer of breast. Last evaluated: 2024-05-01. Review status: criteria provided, single submitter. Criteria: Myriad Autosomal Dominant, Autosomal Recessive and X-Linked Classification Criteria (2023). Collection method: clinical testing. Allele origin: unknown.
Comment: This variant is considered benign. This variant is a silent/synonymous amino acid change and it is not expected to impact splicing.

Ambry Genetics
Classification: Likely benign for Hereditary cancer-predisposing syndrome. Last evaluated: 2024-03-04. Review status: criteria provided, single submitter. Criteria: Ambry Variant Classification Scheme 2023. Collection method: clinical testing. Allele origin: germline.

Labcorp Genetics (formerly Invitae), Labcorp
Classification: Likely benign for Ataxia-telangiectasia syndrome. Last evaluated: 2022-01-06. Review status: criteria provided, single submitter. Criteria: Invitae Variant Classification Sherloc (09022015). Collection method: clinical testing. Allele origin: germline.

NM_000051.4(ATM):c.1752G>A (p.Gln584=)

Gene: ATM (ATM serine/threonine kinase; plus strand). Cytogenetic location: 11q22.3.
Variant type: single nucleotide variant.
Coding change: c.1752G>A on transcript NM_000051.4 (MANE Select); coding-DNA position 1752, G replaced by A.
Protein change: p.Gln584=; no amino-acid change (glutamine 584 retained).
Molecular consequence: synonymous variant.
Genome position (GRCh38, 1-based): chr11:108,251,981, G>A. VCF-style: chr11-108251981-G-A. GRCh37 (hg19) VCF-style: chr11-108122708-G-A.
Other names: c.1752G>A, p.Gln584= (NM_001351834.2); c.1752G>A (NM_000051.3).
Identifiers: ClinVar variation 1145249 (VCV001145249.12), dbSNP rs2135343108, ClinGen allele CA476672171.